The following is an entry in ClinVar:

ClinVar aggregate classification (germline): Uncertain significance (1 of 4 stars; one submission).

gnomAD v4.1: 12 of 1,614,076 alleles (0.00074%); highest among the groups gnomAD compares: Non-Finnish European, 0.001%; no homozygotes.

Submission:

GeneDx
Classification: Uncertain significance. Last evaluated: 2025-04-03. Review status: criteria provided, single submitter. Criteria: GeneDx Variant Classification Process June 2021. Collection method: clinical testing. Allele origin: germline. Affected: yes.
Comment: Not observed at significant frequency in large population cohorts (gnomAD); In silico analysis supports that this missense variant has a deleterious effect on protein structure/function; Has not been previously published as pathogenic or benign to our knowledge

NM_001372.4(DNAH9):c.6070A>T (p.Ile2024Phe)

Gene: DNAH9 (dynein axonemal heavy chain 9; plus strand). Cytogenetic location: 17p12.
Variant type: single nucleotide variant.
Coding change: c.6070A>T on transcript NM_001372.4 (MANE Select); coding-DNA position 6070, A replaced by T.
Protein change: p.Ile2024Phe; replaces isoleucine 2024 with phenylalanine.
Molecular consequence: missense variant.
Genome position (GRCh38, 1-based): chr17:11,742,272, A>T. VCF-style: chr17-11742272-A-T. GRCh37 (hg19) VCF-style: chr17-11645589-A-T.
Other names: short protein forms I2024F.
Identifiers: ClinVar variation 4278791 (VCV004278791.1).